The following is an entry in ClinVar:

NM_022455.5(NSD1):c.5444dup (p.Tyr1815Ter)

Genes: NSD1 (nuclear receptor binding SET domain protein 1; plus strand), LOC126807619 (MED14-independent group 3 enhancer GRCh37_chr5:176696443-176697642; plus strand). Cytogenetic location: 5q35.3.
Variant type: Duplication.
Coding change: c.5444dup on transcript NM_022455.5 (MANE Select); coding-DNA position 5444, one base duplicated (A; older notation c.5444dupA).
Protein change: p.Tyr1815Ter; replaces tyrosine 1815 with a stop codon.
Molecular consequence: nonsense.
Genome position (GRCh38, 1-based): chr5:177,269,742, A duplicated. VCF-style (leftmost placement, unchanged base first): chr5-177269741-T-TA. GRCh37 (hg19) VCF-style: chr5-176696742-T-TA.
Other names: c.4571dup, p.Tyr1524Ter (NM_001365684.2, NM_172349.5, NM_001409308.1 and 1 more transcripts); c.5444dup, p.Tyr1815Ter (NM_001409301.1, NM_001409302.1, NM_001409303.1); c.5024dup, p.Tyr1675Ter (NM_001409304.1); c.4691dup, p.Tyr1564Ter (NM_001409305.1); c.4682dup, p.Tyr1561Ter (NM_001409306.1, NM_001409307.1); short protein forms Y1675*, Y1524*, Y1564*, Y1815*, Y1561*.
Identifiers: ClinVar variation 3693134 (VCV003693134.2).

ClinVar aggregate classification (germline): Pathogenic (1 of 4 stars; one submission).

Submission:

Labcorp Genetics (formerly Invitae), Labcorp
Classification: Pathogenic. Last evaluated: 2023-06-24. Review status: criteria provided, single submitter. Criteria: Invitae Variant Classification Sherloc (09022015). Collection method: clinical testing. Allele origin: germline.
Comment: This sequence change creates a premature translational stop signal (p.Tyr1815*) in the NSD1 gene. It is expected to result in an absent or disrupted protein product. Loss-of-function variants in NSD1 are known to be pathogenic (PMID: 12464997, 14571271, 15942875, 16247291). For these reasons, this variant has been classified as Pathogenic. This variant has not been reported in the literature in individuals affected with NSD1-related conditions. This variant is not present in population databases (gnomAD no frequency).

Literature cited by the submitters: PubMed 12464997; PubMed 14571271; PubMed 15942875; PubMed 16247291.